The following is an entry in ClinVar:

ClinVar aggregate classification (germline): Pathogenic (1 of 4 stars; one submission).

Submission:

Labcorp Genetics (formerly Invitae), Labcorp
Classification: Pathogenic. Last evaluated: 2023-07-19. Review status: criteria provided, single submitter. Criteria: Invitae Variant Classification Sherloc (09022015). Collection method: clinical testing. Allele origin: germline.
Comment: This sequence change creates a premature translational stop signal (p.Ala81Glyfs*8) in the POLE gene. It is expected to result in an absent or disrupted protein product. Loss-of-function variants in POLE are known to be pathogenic (PMID: 23230001, 25948378, 30503519). This variant is not present in population databases (gnomAD no frequency). This variant has not been reported in the literature in individuals affected with POLE-related conditions. For these reasons, this variant has been classified as Pathogenic.

Literature cited by the submitters: PubMed 23230001; PubMed 25948378; PubMed 30503519.

NM_006231.4(POLE):c.242_246del (p.Ala81fs)

Gene: POLE (DNA polymerase epsilon, catalytic subunit; minus strand). Cytogenetic location: 12q24.33.
Variant type: Microsatellite.
Coding change: c.242_246del on transcript NM_006231.4 (MANE Select); coding-DNA positions 242 to 246, 5 bases deleted (CAGTG; older notation c.242_246delCAGTG).
Protein change: p.Ala81fs; shifts the reading frame from alanine 81.
Molecular consequence: frameshift variant.
Genome position (GRCh38, 1-based): chr12:132,680,646-132,680,650, CACTG deleted on the plus strand (CAGTG on the coding strand, the reverse complement: POLE is on the minus strand); deleting any 5 consecutive bases within chr12:132,680,646-132,680,656 gives the same sequence; the c. name uses the placement nearest the transcript's 3' end. VCF-style (leftmost placement, unchanged base first): chr12-132680645-CCACTG-C. GRCh37 (hg19) VCF-style: chr12-133257231-CCACTG-C.
Other names: short protein forms A81fs.
Identifiers: ClinVar variation 2826439 (VCV002826439.3), dbSNP rs2542194072, ClinGen allele CA2739277403.